The following is an entry in ClinVar:

NM_000136.3(FANCC):c.689A>G (p.Lys230Arg)

Genes: AOPEP (aminopeptidase O (putative); plus strand), FANCC (FA complementation group C; minus strand). Cytogenetic location: 9q22.32.
Variant type: single nucleotide variant.
Coding change: c.689A>G on transcript NM_000136.3 (MANE Select); coding-DNA position 689, A replaced by G.
Protein change: p.Lys230Arg; replaces lysine 230 with arginine.
Molecular consequence: missense variant.
Genome position (GRCh38, 1-based): chr9:95,135,500, T>C on the plus strand (A>G on the coding strand, the complement: FANCC is on the minus strand). VCF-style: chr9-95135500-T-C. GRCh37 (hg19) VCF-style: chr9-97897782-T-C.
Other names: c.689A>G, p.Lys230Arg (NM_001243743.2, NM_001243744.2); short protein forms K230R.
Identifiers: ClinVar variation 1756023 (VCV001756023.2), dbSNP rs2541404616, ClinGen allele CA374109491.

ClinVar aggregate classification (germline): Uncertain significance (1 of 4 stars; one submission).

Conditions:
Hereditary cancer-predisposing syndrome. Also called: Neoplastic Syndromes, Hereditary; Tumor predisposition; Hereditary Cancer Syndrome; Hereditary neoplastic syndrome. Identifiers: Orphanet 140162, MedGen C0027672, MeSH D009386, MONDO:0015356.

Submission:

Ambry Genetics
Classification: Uncertain significance for Hereditary cancer-predisposing syndrome. Last evaluated: 2022-08-29. Review status: criteria provided, single submitter. Criteria: Ambry Variant Classification Scheme 2023. Collection method: clinical testing. Allele origin: germline.
Comment: The p.K230R variant (also known as c.689A>G), located in coding exon 7 of the FANCC gene, results from an A to G substitution at nucleotide position 689. The lysine at codon 230 is replaced by arginine, an amino acid with highly similar properties. This amino acid position is conserved. In addition, this alteration is predicted to be tolerated by in silico analysis. Since supporting evidence is limited at this time, the clinical significance of this alteration remains unclear.